The following is an entry in ClinVar:

ClinVar aggregate classification (germline): Benign/Likely benign. Review status: criteria provided, multiple submitters, no conflicts (2 of 4 stars). 5 submissions from 5 submitters: Benign (2); Likely benign (1). 2 of the submissions do not count toward it. Last evaluated 2026-02-01.

Conditions:
Primary ciliary dyskinesia. Also called: Ciliary dyskinesia. Identifiers: Orphanet 244, MedGen C0008780, MONDO:0016575, HP:0012265.
DNAH5-related disorder. Also called: DNAH5-related condition.

Allele frequency attached by ClinVar (database versions not stated): gnomAD 0.00004 and 0.00011; TOPMed 0.00006; gnomAD exomes 0.00020 and 0.00041; 1000 Genomes Project 0.00040; ExAC 0.00044; 1000 Genomes Project 30x 0.00047.
gnomAD v4.1: 341 of 1,613,632 alleles (0.021%); highest among the groups gnomAD compares: South Asian, 0.27%; 3 homozygotes.

Submissions (5):

Labcorp Genetics (formerly Invitae), Labcorp
Classification: Benign for Primary ciliary dyskinesia. Last evaluated: 2026-02-01. Review status: criteria provided, single submitter. Criteria: Invitae Variant Classification Sherloc (09022015). Collection method: clinical testing. Allele origin: germline.

Blueprint Genetics
Classification: Likely benign. Last evaluated: 2024-10-23. Review status: criteria provided, single submitter. Criteria: ACMG Guidelines, 2015. Collection method: clinical testing. Allele origin: germline.

Ambry Genetics
Classification: Benign for Primary ciliary dyskinesia. Last evaluated: 2021-11-08. Review status: criteria provided, single submitter. Criteria: Ambry Variant Classification Scheme 2023. Collection method: clinical testing. Allele origin: germline.

Natera, Inc.
Classification: Uncertain significance for Primary ciliary dyskinesia. Last evaluated: 2019-11-11. Review status: no assertion criteria provided. Collection method: clinical testing. Allele origin: germline. Not counted in ClinVar's aggregate classification.

PreventionGenetics, part of Exact Sciences
Classification: Likely benign for DNAH5-related condition. Last evaluated: 2019-08-09. Review status: no assertion criteria provided. Collection method: clinical testing. Allele origin: germline. Not counted in ClinVar's aggregate classification.
Comment: This variant is classified as likely benign based on ACMG/AMP sequence variant interpretation guidelines (Richards et al. 2015 PMID: 25741868, with internal and published modifications).

NM_001369.3(DNAH5):c.9714C>T (p.Ala3238=)

Gene: DNAH5 (dynein axonemal heavy chain 5; minus strand). Cytogenetic location: 5p15.2.
Variant type: single nucleotide variant.
Coding change: c.9714C>T on transcript NM_001369.3 (MANE Select); coding-DNA position 9714, C replaced by T.
Protein change: p.Ala3238=; no amino-acid change (alanine 3238 retained).
Molecular consequence: synonymous variant.
Genome position (GRCh38, 1-based): chr5:13,769,507, G>A on the plus strand (C>T on the coding strand, the complement: DNAH5 is on the minus strand). VCF-style: chr5-13769507-G-A. GRCh37 (hg19) VCF-style: chr5-13769616-G-A.
Identifiers: ClinVar variation 696653 (VCV000696653.17), dbSNP rs375561333, ClinGen allele CA3202464.